The following is an entry in ClinVar:

ClinVar aggregate classification (germline): Benign. Review status: criteria provided, multiple submitters, no conflicts (2 of 4 stars). 3 submissions from 3 submitters: Benign (2). 1 of the submissions does not count toward it. Last evaluated 2025-10-06.

Conditions:
HSF4-related disorder. Also called: HSF4-related condition.
Cataract 5 multiple types (CTRCT5). Also called: CATARACT 5, LAMELLAR; CATARACT, MARNER TYPE; Lamellar cataract. Identifiers: Orphanet 91492, MedGen C0266537, MONDO:0007290, OMIM 116800, HP:0007971.

Allele frequency attached by ClinVar (database versions not stated): gnomAD exomes 0.00028 and 0.00069; ExAC 0.00090; 1000 Genomes Project 0.00260; 1000 Genomes Project 30x 0.00265; ESP Exome Variant Server 0.00270; gnomAD 0.00285 and 0.00303; TOPMed 0.00325.
gnomAD v4.1: 857 of 1,612,998 alleles (0.053%); highest among the groups gnomAD compares: African/African-American, 1%; 6 homozygotes.

Submissions (3):

Labcorp Genetics (formerly Invitae), Labcorp
Classification: Benign for Cataract 5 multiple types. Last evaluated: 2025-10-06. Review status: criteria provided, single submitter. Criteria: Invitae Variant Classification Sherloc (09022015). Collection method: clinical testing. Allele origin: germline.

CeGaT Center for Human Genetics Tuebingen
Classification: Benign. Last evaluated: 2022-03-01. Review status: criteria provided, single submitter. Criteria: CeGaT Center For Human Genetics Tuebingen Variant Classification Criteria Version 2. Collection method: clinical testing. Allele origin: germline. Affected: yes. Observed: 1 variant allele.
Comment: HSF4: BS1, BS2

PreventionGenetics, part of Exact Sciences
Classification: Benign for HSF4-related condition. Last evaluated: 2024-08-15. Review status: no assertion criteria provided. Collection method: clinical testing. Allele origin: germline. Not counted in ClinVar's aggregate classification.
Comment: This variant is classified as benign based on ACMG/AMP sequence variant interpretation guidelines (Richards et al. 2015 PMID: 25741868, with internal and published modifications).

NM_001374675.1(HSF4):c.1414A>G (p.Ile472Val)

Gene: HSF4 (heat shock transcription factor 4; plus strand). Cytogenetic location: 16q22.1.
Variant type: single nucleotide variant.
Coding change: c.1414A>G on transcript NM_001374675.1 (MANE Select); coding-DNA position 1414, A replaced by G.
Protein change: p.Ile472Val; replaces isoleucine 472 with valine.
Molecular consequence: missense variant.
Genome position (GRCh38, 1-based): chr16:67,169,720, A>G. VCF-style: chr16-67169720-A-G. GRCh37 (hg19) VCF-style: chr16-67203623-A-G.
Other names: c.1414A>G, p.Ile472Val (NM_001040667.3); c.1324A>G, p.Ile442Val (NM_001374674.1, NM_001538.4); short protein forms I472V, I442V.
Identifiers: ClinVar variation 702238 (VCV000702238.33), dbSNP rs201011907, ClinGen allele CA8102192.